The following is an entry in ClinVar:

NM_000057.4(BLM):c.434C>A (p.Pro145Gln)

Gene: BLM (BLM RecQ like helicase; plus strand). Cytogenetic location: 15q26.1.
Variant type: single nucleotide variant.
Coding change: c.434C>A on transcript NM_000057.4 (MANE Select); coding-DNA position 434, C replaced by A.
Protein change: p.Pro145Gln; replaces proline 145 with glutamine.
Molecular consequence: missense variant. On other transcripts: 5 prime UTR variant (1).
Genome position (GRCh38, 1-based): chr15:90,749,702, C>A. VCF-style: chr15-90749702-C-A. GRCh37 (hg19) VCF-style: chr15-91292932-C-A.
Other names: c.434C>A (NM_000057.2); c.434C>A, p.Pro145Gln (NM_001287246.2, NM_001287247.2); c.-858C>A (NM_001287248.2); short protein forms P145Q.
Identifiers: ClinVar variation 1007890 (VCV001007890.12), dbSNP rs1895616094, ClinGen allele CA393840540.

ClinVar aggregate classification (germline): Uncertain significance. Review status: criteria provided, multiple submitters, no conflicts (2 of 4 stars). 3 submissions from 3 submitters: Uncertain significance (2). 1 of the submissions does not count toward it. Last evaluated 2025-10-23.

Conditions:
Hereditary cancer-predisposing syndrome. Also called: Tumor predisposition; Hereditary neoplastic syndrome; Neoplastic Syndromes, Hereditary; Hereditary Cancer Syndrome. Identifiers: Orphanet 140162, MedGen C0027672, MeSH D009386, MONDO:0015356.
Bloom syndrome (BLM). Also called: Bloom-Torre-Machacek syndrome. Identifiers: Orphanet 125, MedGen C0005859, MONDO:0008876, OMIM 210900.

Allele frequency attached by ClinVar (database versions not stated): gnomAD exomes below 0.00001.
gnomAD v4.1: 1 of 1,614,098 alleles (0.000062%); highest among the groups gnomAD compares: Non-Finnish European, 0.000085%; no homozygotes.

Submissions (3):

Labcorp Genetics (formerly Invitae), Labcorp
Classification: Uncertain significance for Bloom syndrome. Last evaluated: 2025-10-23. Review status: criteria provided, single submitter. Criteria: Invitae Variant Classification Sherloc (09022015). Collection method: clinical testing. Allele origin: germline.
Comment: This sequence change replaces proline, which is neutral and non-polar, with glutamine, which is neutral and polar, at codon 145 of the BLM protein (p.Pro145Gln). This variant is not present in population databases (gnomAD no frequency). This variant has not been reported in the literature in individuals affected with BLM-related conditions. ClinVar contains an entry for this variant (Variation ID: 1007890). An algorithm developed to predict the effect of missense changes on protein structure and function (PolyPhen-2) suggests that this variant is likely to be tolerated. In summary, the available evidence is currently insufficient to determine the role of this variant in disease. Therefore, it has been classified as a Variant of Uncertain Significance.

Ambry Genetics
Classification: Uncertain significance for Hereditary cancer-predisposing syndrome. Last evaluated: 2024-04-04. Review status: criteria provided, single submitter. Criteria: Ambry Variant Classification Scheme 2023. Collection method: clinical testing. Allele origin: germline.
Comment: The p.P145Q variant (also known as c.434C>A), located in coding exon 2 of the BLM gene, results from a C to A substitution at nucleotide position 434. The proline at codon 145 is replaced by glutamine, an amino acid with similar properties. This amino acid position is conserved. In addition, this alteration is predicted to be tolerated by in silico analysis. Based on the available evidence, the clinical significance of this variant remains unclear.

Natera, Inc.
Classification: Uncertain significance for Bloom syndrome. Last evaluated: 2018-07-21. Review status: no assertion criteria provided. Collection method: clinical testing. Allele origin: germline. Not counted in ClinVar's aggregate classification.